The following is an entry in ClinVar:

ClinVar aggregate classification (germline): Conflicting classifications of pathogenicity. Review status: criteria provided, conflicting classifications (1 of 4 stars). 3 submissions from 3 submitters: Uncertain significance (1); Likely benign (2). Last evaluated 2026-08-12.

Conditions:
Hereditary nonpolyposis colorectal neoplasms. Identifiers: MedGen C0009405, MeSH D003123.
Hereditary cancer-predisposing syndrome. Also called: Neoplastic Syndromes, Hereditary; Hereditary Cancer Syndrome; Hereditary neoplastic syndrome; Tumor predisposition. Identifiers: Orphanet 140162, MedGen C0027672, MeSH D009386, MONDO:0015356.

Allele frequency attached by ClinVar (database versions not stated): gnomAD exomes 0.00001; ExAC 0.00007.
gnomAD v4.1: 8 of 1,553,406 alleles (0.00051%); highest among the groups gnomAD compares: Non-Finnish European, 0.00069%; no homozygotes.

Submissions (3):

Ambry Genetics
Classification: Likely benign for Hereditary cancer-predisposing syndrome. Last evaluated: 2026-08-12. Review status: criteria provided, single submitter. Criteria: Ambry Variant Classification Scheme 2023. Collection method: clinical testing. Allele origin: germline.

Color Diagnostics, LLC DBA Color Health
Classification: Uncertain significance for Hereditary cancer-predisposing syndrome. Last evaluated: 2023-12-05. Review status: criteria provided, single submitter. Criteria: ACMG Guidelines, 2015. Collection method: clinical testing. Allele origin: germline.
Comment: This missense variant replaces proline with alanine at codon 57 of the MSH6 protein. Computational prediction suggests that this variant may not impact protein structure and function (internally defined REVEL score threshold <= 0.5, PMID: 27666373). To our knowledge, functional studies have not been reported for this variant. This variant has not been reported in individuals affected with MSH6-related disorders in the literature. This variant has been identified in 2/155956 chromosomes in the general population by the Genome Aggregation Database (gnomAD). The available evidence is insufficient to determine the role of this variant in disease conclusively. Therefore, this variant is classified as a Variant of Uncertain Significance.

Labcorp Genetics (formerly Invitae), Labcorp
Classification: Likely benign for Hereditary nonpolyposis colorectal neoplasms. Last evaluated: 2023-09-22. Review status: criteria provided, single submitter. Criteria: Invitae Variant Classification Sherloc (09022015). Collection method: clinical testing. Allele origin: germline.

NM_000179.3(MSH6):c.169C>G (p.Pro57Ala)

Gene: MSH6 (mutS homolog 6; plus strand). Cytogenetic location: 2p16.3.
Variant type: single nucleotide variant.
Coding change: c.169C>G on transcript NM_000179.3 (MANE Select); coding-DNA position 169, C replaced by G.
Protein change: p.Pro57Ala; replaces proline 57 with alanine.
Molecular consequence: missense variant. On other transcripts: 5 prime UTR variant (1).
Genome position (GRCh38, 1-based): chr2:47,783,402, C>G. VCF-style: chr2-47783402-C-G. GRCh37 (hg19) VCF-style: chr2-48010541-C-G.
Other names: c.169C>G, p.Pro57Ala (NM_001281492.2); c.-568C>G (NM_001281493.2); short protein forms P57A.
Identifiers: ClinVar variation 629845 (VCV000629845.16), dbSNP rs773367009, ClinGen allele CA068014.